The following is an entry in ClinVar:

ClinVar aggregate classification (germline): Uncertain significance (1 of 4 stars; one submission).

Conditions:
Spastic paraplegia. Identifiers: MedGen C0037772, HP:0001258.

Submission:

Labcorp Genetics (formerly Invitae), Labcorp
Classification: Uncertain significance for Spastic paraplegia. Last evaluated: 2021-12-02. Review status: criteria provided, single submitter. Criteria: Invitae Variant Classification Sherloc (09022015). Collection method: clinical testing. Allele origin: germline.
Comment: This sequence change replaces isoleucine, which is neutral and non-polar, with methionine, which is neutral and non-polar, at codon 2272 of the ZFYVE26 protein (p.Ile2272Met). This variant is not present in population databases (gnomAD no frequency). This variant has not been reported in the literature in individuals affected with ZFYVE26-related conditions. Algorithms developed to predict the effect of missense changes on protein structure and function are either unavailable or do not agree on the potential impact of this missense change (SIFT: "Deleterious"; PolyPhen-2: "Probably Damaging"; Align-GVGD: "Class C0"). In summary, the available evidence is currently insufficient to determine the role of this variant in disease. Therefore, it has been classified as a Variant of Uncertain Significance.

NM_015346.4(ZFYVE26):c.6816T>G (p.Ile2272Met)

Gene: ZFYVE26 (zinc finger FYVE-type containing 26; minus strand). Cytogenetic location: 14q24.1.
Variant type: single nucleotide variant.
Coding change: c.6816T>G on transcript NM_015346.4 (MANE Select); coding-DNA position 6816, T replaced by G.
Protein change: p.Ile2272Met; replaces isoleucine 2272 with methionine.
Molecular consequence: missense variant.
Genome position (GRCh38, 1-based): chr14:67,755,221, A>C on the plus strand (T>G on the coding strand, the complement: ZFYVE26 is on the minus strand). VCF-style: chr14-67755221-A-C. GRCh37 (hg19) VCF-style: chr14-68221938-A-C.
Other names: short protein forms I2272M.
Identifiers: ClinVar variation 1955860 (VCV001955860.2), dbSNP rs2503941628, ClinGen allele CA390161023.
Genomic context (GRCh38, chr14:67,755,221, plus strand): 5'-TAGCCATGAGAGCTTCTCTCCCAGTTCTGTATATGACTTTGCTTTGTGACTGAAGAACCG[A>C]ATACAGGTCATGGCGGCCCGAACTTGGTCCTAGAAGAGGAAAATAAATGTTCAGGTCAAA-3'
Protein context (NP_056161.2, residues 2262-2282): KDQVRAAMTC[Ile2272Met]RFFSHKAKSY